The following is an entry in ClinVar:

ClinVar aggregate classification (germline): Uncertain significance (1 of 4 stars; one submission).

Conditions:
Cowden syndrome 6 (CWS6). Identifiers: Orphanet 201, MedGen C3554519, MONDO:0014048, OMIM 615109.

Allele frequency attached by ClinVar (database versions not stated): gnomAD exomes below 0.00001 and 0.00001.
gnomAD v4.1: 3 of 1,614,144 alleles (0.00019%); highest among the groups gnomAD compares: South Asian, 0.0011%; no homozygotes.

Submission:

Labcorp Genetics (formerly Invitae), Labcorp
Classification: Uncertain significance for Cowden syndrome 6. Last evaluated: 2020-12-29. Review status: criteria provided, single submitter. Criteria: Invitae Variant Classification Sherloc (09022015). Collection method: clinical testing. Allele origin: germline.
Comment: In summary, the available evidence is currently insufficient to determine the role of this variant in disease. Therefore, it has been classified as a Variant of Uncertain Significance. Algorithms developed to predict the effect of missense changes on protein structure and function are either unavailable or do not agree on the potential impact of this missense change (SIFT: "Deleterious"; PolyPhen-2: "Probably Damaging"; Align-GVGD: "Class C0"). This variant has not been reported in the literature in individuals with AKT1-related conditions. This variant is not present in population databases (ExAC no frequency). This sequence change replaces valine with methionine at codon 337 of the AKT1 protein (p.Val337Met). The valine residue is highly conserved and there is a small physicochemical difference between valine and methionine.

NM_001382430.1(AKT1):c.1009G>A (p.Val337Met)

Gene: AKT1 (AKT serine/threonine kinase 1; minus strand). Cytogenetic location: 14q32.33.
Variant type: single nucleotide variant.
Coding change: c.1009G>A on transcript NM_001382430.1 (MANE Select); coding-DNA position 1009, G replaced by A.
Protein change: p.Val337Met; replaces valine 337 with methionine.
Molecular consequence: missense variant.
Genome position (GRCh38, 1-based): chr14:104,773,041, C>T on the plus strand (G>A on the coding strand, the complement: AKT1 is on the minus strand). VCF-style: chr14-104773041-C-T. GRCh37 (hg19) VCF-style: chr14-105239378-C-T.
Other names: c.1009G>A, p.Val337Met (NM_001014431.2, NM_001014432.2, NM_001382431.1 and 3 more transcripts); short protein forms V337M.
Identifiers: ClinVar variation 1485791 (VCV001485791.8), dbSNP rs1247419183, ClinGen allele CA391217235.
Genomic context (GRCh38, chr14:104,773,041, plus strand): 5'-GCTTCTCATGGTCCTGGTTGTAGAAGGGCAGGCGACCGCACATCATCTCGTACATGACCA[C>T]GCCCAGCCCCCACCAGTCCACTGCACGGCCGTAGTCATTGTCCTCCAGCACCTGCACGGG-3'
Protein context (NP_001369359.1, residues 327-347): GRAVDWWGLG[Val337Met]VMYEMMCGRL